The following is an entry in ClinVar:

NM_147191.1(MMP21):c.356T>G (p.Val119Gly)

Gene: MMP21 (matrix metallopeptidase 21; minus strand). Cytogenetic location: 10q26.2.
Variant type: single nucleotide variant.
Coding change: c.356T>G on transcript NM_147191.1 (MANE Select); coding-DNA position 356, T replaced by G.
Protein change: p.Val119Gly; replaces valine 119 with glycine.
Molecular consequence: missense variant.
Genome position (GRCh38, 1-based): chr10:125,774,172, A>C on the plus strand (T>G on the coding strand, the complement: MMP21 is on the minus strand). VCF-style: chr10-125774172-A-C. GRCh37 (hg19) VCF-style: chr10-127462741-A-C.
Other names: short protein forms V119G.
Identifiers: ClinVar variation 1197221 (VCV001197221.3), dbSNP rs1251807420, ClinGen allele CA378681751.

ClinVar aggregate classification (germline): Likely pathogenic (1 of 4 stars; one submission).

Allele frequency attached by ClinVar (database versions not stated): gnomAD 0.00003.
gnomAD v4.1: 11 of 1,275,046 alleles (0.00086%); highest among the groups gnomAD compares: Non-Finnish European, 0.0011%; no homozygotes.

Submission:

GeneDx
Classification: Likely pathogenic. Last evaluated: 2024-10-21. Review status: criteria provided, single submitter. Criteria: GeneDx Variant Classification Process June 2021. Collection method: clinical testing. Allele origin: germline. Affected: yes.
Comment: Not observed at significant frequency in large population cohorts (gnomAD); In silico analysis supports that this missense variant has a deleterious effect on protein structure/function; Has not been previously published as pathogenic or benign to our knowledge